The following is an entry in ClinVar:

NM_001354604.2(MITF):c.486C>G (p.Asn162Lys)

Gene: MITF (melanocyte inducing transcription factor; plus strand). Cytogenetic location: 3p13.
Variant type: single nucleotide variant.
Coding change: c.486C>G on transcript NM_001354604.2 (MANE Select); coding-DNA position 486, C replaced by G.
Protein change: p.Asn162Lys; replaces asparagine 162 with lysine.
Molecular consequence: missense variant. On other transcripts: intron variant (1).
Genome position (GRCh38, 1-based): chr3:69,937,953, C>G. VCF-style: chr3-69937953-C-G. GRCh37 (hg19) VCF-style: chr3-69987104-C-G.
Other names: c.165C>G, p.Asn55Lys (NM_000248.4, NM_001184968.2, NM_198158.3); c.330C>G, p.Asn110Lys (NM_001184967.2, NM_001354608.2); c.483C>G, p.Asn161Lys (NM_001354605.2, NM_001354606.2, NM_006722.3); c.435C>G, p.Asn145Lys (NM_001354607.2); c.486C>G, p.Asn162Lys (NM_198159.3); c.438C>G, p.Asn146Lys (NM_198177.3); c.93+72C>G (NM_198178.3); short protein forms N110K, N145K, N161K, N162K, N146K, N55K.
Identifiers: ClinVar variation 4055177 (VCV004055177.1).

ClinVar aggregate classification (germline): Uncertain significance (1 of 4 stars; one submission).

Conditions:
Hereditary cancer-predisposing syndrome. Also called: Neoplastic Syndromes, Hereditary; Tumor predisposition; Hereditary neoplastic syndrome; Hereditary Cancer Syndrome. Identifiers: Orphanet 140162, MedGen C0027672, MeSH D009386, MONDO:0015356.

Submission:

Ambry Genetics
Classification: Uncertain significance for Hereditary cancer-predisposing syndrome. Last evaluated: 2025-03-29. Review status: criteria provided, single submitter. Criteria: Ambry Variant Classification Scheme 2023. Collection method: clinical testing. Allele origin: germline.
Comment: The p.N55K variant (also known as c.165C>G), located in coding exon 2 of the MITF gene, results from a C to G substitution at nucleotide position 165. The asparagine at codon 55 is replaced by lysine, an amino acid with similar properties. This amino acid position is conserved. In addition, this alteration is predicted to be tolerated by in silico analysis. Based on the available evidence, the clinical significance of this variant remains unclear.